The following is an entry in ClinVar:

ClinVar aggregate classification (germline): Uncertain significance (1 of 4 stars; one submission).

Conditions:
Hereditary pancreatitis (PCTT). Also called: Hereditary chronic pancreatitis; PRSS1-Related Hereditary Pancreatitis. Identifiers: Orphanet 676, MedGen C0238339, MONDO:0008185, OMIM 167800.

Allele frequency attached by ClinVar (database versions not stated): gnomAD exomes 0.00001; ExAC 0.00009; gnomAD 0.00016; TOPMed 0.00025; ESP Exome Variant Server 0.00038.
gnomAD v4.1: 39 of 1,314,080 alleles (0.003%); highest among the groups gnomAD compares: African/African-American, 0.056%; no homozygotes.

Submission:

Ambry Genetics
Classification: Uncertain significance for Hereditary pancreatitis. Last evaluated: 2025-04-11. Review status: criteria provided, single submitter. Criteria: Ambry Variant Classification Scheme 2023. Collection method: clinical testing. Allele origin: germline.
Comment: The c.-5G>C variant is located in the 5' untranslated region (5&rsquo; UTR) of the CPA1 gene. This variant results from a G to C substitution 5 bases upstream from the first translated codon. This nucleotide position is not well conserved in available vertebrate species. Based on the available evidence, the clinical significance of this variant remains unclear.

NM_001868.4(CPA1):c.-5G>C

Gene: CPA1 (carboxypeptidase A1; plus strand). Cytogenetic location: 7q32.2.
Variant type: single nucleotide variant.
Coding change: c.-5G>C on transcript NM_001868.4 (MANE Select); 5 bases upstream of the start codon, G replaced by C.
Molecular consequence: 5 prime UTR variant.
Genome position (GRCh38, 1-based): chr7:130,380,516, G>C. VCF-style: chr7-130380516-G-C. GRCh37 (hg19) VCF-style: chr7-130020357-G-C.
Identifiers: ClinVar variation 1751013 (VCV001751013.4), dbSNP rs370268037, ClinGen allele CA4484642.
Genomic context (GRCh38, chr7:130,380,516, plus strand): 5'-CTGGGAGGGTTTAAAAGCCAGGGGGCCGTCTCGACCTCAGTCTGACCTTCCCTCCCGGCA[G>C]CAGCATGCGGGGGTTGCTGGTGTTGAGTGTCCTGTTGGGGGCTGTCTTTGGCAAGGAGGA-3'